The following is an entry in ClinVar:

ClinVar aggregate classification (germline): Likely benign (1 of 4 stars; one submission).

gnomAD v4.1: 4,746 of 1,614,042 alleles (0.29%); highest among the groups gnomAD compares: Non-Finnish European, 0.36%; 14 homozygotes.

Submission:

CeGaT Center for Human Genetics Tuebingen
Classification: Likely benign. Last evaluated: 2026-09-01. Review status: criteria provided, single submitter. Criteria: CeGaT Center For Human Genetics Tuebingen Variant Classification Criteria Version 2. Collection method: clinical testing. Allele origin: germline. Affected: yes. Observed: 1 variant allele.
Comment: GON4L: BP4, BP7, BS2

NM_001282860.2(GON4L):c.3096G>T (p.Pro1032=)

Gene: GON4L (gon-4 like; minus strand). Cytogenetic location: 1q22.
Variant type: single nucleotide variant.
Coding change: c.3096G>T on transcript NM_001282860.2 (MANE Select); coding-DNA position 3096, G replaced by T.
Protein change: p.Pro1032=; no amino-acid change (proline 1032 retained).
Molecular consequence: synonymous variant.
Genome position (GRCh38, 1-based): chr1:155,766,377, C>A on the plus strand (G>T on the coding strand, the complement: GON4L is on the minus strand). VCF-style: chr1-155766377-C-A. GRCh37 (hg19) VCF-style: chr1-155736168-C-A.
Other names: c.3096G>T, p.Pro1032= (NM_001282856.2, NM_001282858.2, NM_001282861.2 and 1 more transcripts).
Identifiers: ClinVar variation 5040819 (VCV005040819.1).